The following is an entry in ClinVar:

NM_007294.4(BRCA1):c.1348A>T (p.Lys450Ter)

Gene: BRCA1 (BRCA1 DNA repair associated; minus strand). Cytogenetic location: 17q21.31.
Variant type: single nucleotide variant.
Coding change: c.1348A>T on transcript NM_007294.4 (MANE Select); coding-DNA position 1348, A replaced by T.
Protein change: p.Lys450Ter; replaces lysine 450 with a stop codon.
Molecular consequence: nonsense. On other transcripts: intron variant (137).
Genome position (GRCh38, 1-based): chr17:43,094,183, T>A on the plus strand (A>T on the coding strand, the complement: BRCA1 is on the minus strand). VCF-style: chr17-43094183-T-A. GRCh37 (hg19) VCF-style: chr17-41246200-T-A.
Other names: c.664+561A>T (NM_001408430.1, NM_001408436.1, NM_001408444.1 and 12 more transcripts); c.1207A>T, p.Lys403Ter (NM_001407752.1, NM_001407850.1, NM_001407851.1 and 29 more transcripts); c.670+1663A>T (NM_001408423.1, NM_001408420.1, NM_001408419.1 and 2 more transcripts); c.1204A>T, p.Lys402Ter (NM_001407838.1, NM_001407839.1, NM_001407841.1 and 20 more transcripts); c.787+561A>T (NM_001408404.1, NM_001408472.1, NM_001407974.1 and 19 more transcripts); c.1135A>T, p.Lys379Ter (NM_001407571.1, NM_001407853.1, NM_001407894.1 and 9 more transcripts); c.1348A>T, p.Lys450Ter (NM_001407581.1, NM_001407582.1, NM_001407583.1 and 30 more transcripts); c.1345A>T, p.Lys449Ter (NM_001407587.1, NM_001407590.1, NM_001407591.1 and 22 more transcripts); and 40 more; short protein forms K450*, K403*, K154*, K361*, K383*, K408*, K282*, K323*.
Identifiers: ClinVar variation 924799 (VCV000924799.6), dbSNP rs2053952990, ClinGen allele CA10599352.

ClinVar aggregate classification (germline): Pathogenic (1 of 4 stars; one submission).

Conditions:
Hereditary cancer-predisposing syndrome. Also called: Neoplastic Syndromes, Hereditary; Tumor predisposition; Hereditary Cancer Syndrome; Hereditary neoplastic syndrome. Identifiers: Orphanet 140162, MedGen C0027672, MeSH D009386, MONDO:0015356.

Submission:

Color Diagnostics, LLC DBA Color Health
Classification: Pathogenic for Hereditary cancer-predisposing syndrome. Last evaluated: 2022-03-21. Review status: criteria provided, single submitter. Criteria: ACMG Guidelines, 2015. Collection method: clinical testing. Allele origin: germline.
Comment: This variant changes 1 nucleotide in exon 10 of the BRCA1 gene, creating a premature translation stop signal. This variant is expected to result in an absent or non-functional protein product. To our knowledge, this variant has not been reported in individuals affected with hereditary cancer in the literature. This variant has not been identified in the general population by the Genome Aggregation Database (gnomAD). Loss of BRCA1 function is a known mechanism of disease. Based on the available evidence, this variant is classified as Pathogenic.